The following is an entry in ClinVar:

ClinVar aggregate classification (germline): Uncertain significance (1 of 4 stars; one submission).

gnomAD v4.1: 195 of 1,614,198 alleles (0.012%); highest among the groups gnomAD compares: Middle Eastern, 0.033%; no homozygotes.

Submission:

Labcorp Genetics (formerly Invitae), Labcorp
Classification: Uncertain significance. Last evaluated: 2026-01-27. Review status: criteria provided, single submitter. Criteria: Invitae Variant Classification Sherloc (09022015). Collection method: clinical testing. Allele origin: germline.
Comment: This sequence change replaces arginine, which is basic and polar, with glutamine, which is neutral and polar, at codon 689 of the FBLN1 protein (p.Arg689Gln). This variant is present in population databases (rs138312931, gnomAD 0.03%). This variant has not been reported in the literature in individuals affected with FBLN1-related conditions. ClinVar contains an entry for this variant (Variation ID: 3631938). An algorithm developed to predict the effect of missense changes on protein structure and function (PolyPhen-2) suggests that this variant is likely to be disruptive. In summary, the available evidence is currently insufficient to determine the role of this variant in disease. Therefore, it has been classified as a Variant of Uncertain Significance.

NM_006486.3(FBLN1):c.2066G>A (p.Arg689Gln)

Gene: FBLN1 (fibulin 1; plus strand). Cytogenetic location: 22q13.31.
Variant type: single nucleotide variant.
Coding change: c.2066G>A on transcript NM_006486.3 (MANE Select); coding-DNA position 2066, G replaced by A.
Protein change: p.Arg689Gln; replaces arginine 689 with glutamine.
Molecular consequence: missense variant.
Genome position (GRCh38, 1-based): chr22:45,600,400, G>A. VCF-style: chr22-45600400-G-A. GRCh37 (hg19) VCF-style: chr22-45996280-G-A.
Other names: short protein forms R689Q.
Identifiers: ClinVar variation 3631938 (VCV003631938.2).